The following is an entry in ClinVar:

ClinVar aggregate classification (germline): Uncertain significance (1 of 4 stars; one submission).

Allele frequency attached by ClinVar (database versions not stated): gnomAD 0.00001; gnomAD exomes 0.00002; TOPMed 0.00002; ExAC 0.00003.
gnomAD v4.1: 31 of 1,614,018 alleles (0.0019%); highest among the groups gnomAD compares: Non-Finnish European, 0.0026%; no homozygotes.

Submission:

CeGaT Center for Human Genetics Tuebingen
Classification: Uncertain significance. Last evaluated: 2023-03-01. Review status: criteria provided, single submitter. Criteria: CeGaT Center For Human Genetics Tuebingen Variant Classification Criteria Version 2. Collection method: clinical testing. Allele origin: germline. Affected: yes. Observed: 1 variant allele.
Comment: ASH1L: PP2, BP4

NM_018489.3(ASH1L):c.2377T>G (p.Leu793Val)

Gene: ASH1L (ASH1 like histone lysine methyltransferase; minus strand). Cytogenetic location: 1q22.
Variant type: single nucleotide variant.
Coding change: c.2377T>G on transcript NM_018489.3 (MANE Select); coding-DNA position 2377, T replaced by G.
Protein change: p.Leu793Val; replaces leucine 793 with valine.
Molecular consequence: missense variant.
Genome position (GRCh38, 1-based): chr1:155,480,493, A>C on the plus strand (T>G on the coding strand, the complement: ASH1L is on the minus strand). VCF-style: chr1-155480493-A-C. GRCh37 (hg19) VCF-style: chr1-155450284-A-C.
Other names: c.2377T>G, p.Leu793Val (NM_001366177.2); short protein forms L793V.
Identifiers: ClinVar variation 2639422 (VCV002639422.24), dbSNP rs536133527, ClinGen allele CA1147206.